The following is an entry in ClinVar:

NM_006929.5(SKIC2):c.1587G>A (p.Met529Ile)

Gene: SKIC2 (SKI2 subunit of superkiller complex; plus strand). Cytogenetic location: 6p21.33.
Variant type: single nucleotide variant.
Coding change: c.1587G>A on transcript NM_006929.5 (MANE Select); coding-DNA position 1587, G replaced by A.
Protein change: p.Met529Ile; replaces methionine 529 with isoleucine.
Molecular consequence: missense variant.
Genome position (GRCh38, 1-based): chr6:31,963,673, G>A. VCF-style: chr6-31963673-G-A. GRCh37 (hg19) VCF-style: chr6-31931450-G-A.
Other names: short protein forms M529I.
Identifiers: ClinVar variation 2427506 (VCV002427506.3), dbSNP rs766951489, ClinGen allele CA3729520.

ClinVar aggregate classification (germline): Uncertain significance (1 of 4 stars; one submission).

Allele frequency attached by ClinVar (database versions not stated): gnomAD exomes below 0.00001; ExAC 0.00001; TOPMed 0.00001.
gnomAD v4.1: 1 of 1,556,710 alleles (0.000064%); highest among the groups gnomAD compares: Admixed American, 0.002%; no homozygotes.

Submission:

Labcorp Genetics (formerly Invitae), Labcorp
Classification: Uncertain significance. Last evaluated: 2022-05-12. Review status: criteria provided, single submitter. Criteria: Invitae Variant Classification Sherloc (09022015). Collection method: clinical testing. Allele origin: germline.
Comment: This sequence change replaces methionine, which is neutral and non-polar, with isoleucine, which is neutral and non-polar, at codon 529 of the SKIV2L protein (p.Met529Ile). This variant is present in population databases (rs766951489, gnomAD 0.004%). This variant has not been reported in the literature in individuals affected with SKIV2L-related conditions. Algorithms developed to predict the effect of missense changes on protein structure and function (SIFT, PolyPhen-2, Align-GVGD) all suggest that this variant is likely to be tolerated. In summary, the available evidence is currently insufficient to determine the role of this variant in disease. Therefore, it has been classified as a Variant of Uncertain Significance.